The following is an entry in ClinVar:

NM_004655.4(AXIN2):c.183_193del (p.Leu62fs)

Gene: AXIN2 (axin 2; minus strand). Cytogenetic location: 17q24.1.
Variant type: Deletion.
Coding change: c.183_193del on transcript NM_004655.4 (MANE Select); coding-DNA positions 183 to 193, 11 bases deleted (GTTGGGGGAGC).
Protein change: p.Leu62fs; shifts the reading frame from leucine 62.
Molecular consequence: frameshift variant.
Genome position (GRCh38, 1-based): chr17:65,558,428-65,558,438, GCTCCCCCAAC deleted on the plus strand (GTTGGGGGAGC on the coding strand, the reverse complement: AXIN2 is on the minus strand). VCF-style (leftmost placement, unchanged base first): chr17-65558427-GGCTCCCCCAAC-G. GRCh37 (hg19) VCF-style: chr17-63554545-GGCTCCCCCAAC-G.
Other names: c.183_193del, p.Leu62fs (NM_001363813.1); c.183_193del11 (NM_004655.3); short protein forms L62fs.
Identifiers: ClinVar variation 3224379 (VCV003224379.1), dbSNP rs2544254066, ClinGen allele CA2825002598.

ClinVar aggregate classification (germline): Pathogenic (1 of 4 stars; one submission).

Conditions:
Hereditary cancer-predisposing syndrome. Also called: Tumor predisposition; Hereditary neoplastic syndrome; Hereditary Cancer Syndrome; Neoplastic Syndromes, Hereditary. Identifiers: Orphanet 140162, MedGen C0027672, MeSH D009386, MONDO:0015356.

Submission:

Ambry Genetics
Classification: Pathogenic for Hereditary cancer-predisposing syndrome. Last evaluated: 2024-01-03. Review status: criteria provided, single submitter. Criteria: Ambry Variant Classification Scheme 2023. Collection method: clinical testing. Allele origin: germline.
Comment: The c.183_193del11 pathogenic mutation, located in coding exon 1 of the AXIN2 gene, results from a deletion of 11 nucleotides at nucleotide positions 183 to 193, causing a translational frameshift with a predicted alternate stop codon (p.L62Gfs*75). This variant is considered to be rare based on population cohorts in the Genome Aggregation Database (gnomAD). This alteration is expected to result in loss of function by premature protein truncation or nonsense-mediated mRNA decay. As such, this alteration is interpreted as a disease-causing mutation.